The following is an entry in ClinVar:

ClinVar aggregate classification (germline): Uncertain significance. Review status: criteria provided, multiple submitters, no conflicts (2 of 4 stars). 2 submissions from 2 submitters: Uncertain significance (2). Last evaluated 2023-08-16.

Conditions:
Cardiovascular phenotype. Identifiers: MedGen CN230736.
Long QT syndrome (LQTS). Identifiers: MedGen C0023976, MeSH D008133, MONDO:0002442. Disease mechanism: loss of function. Inheritance: Various modes of inheritance.

Submissions (2):

Labcorp Genetics (formerly Invitae), Labcorp
Classification: Uncertain significance for Long QT syndrome. Last evaluated: 2023-08-16. Review status: criteria provided, single submitter. Criteria: Invitae Variant Classification Sherloc (09022015). Collection method: clinical testing. Allele origin: germline.
Comment: This variant has not been reported in the literature in individuals affected with AKAP9-related conditions. In summary, the available evidence is currently insufficient to determine the role of this variant in disease. Therefore, it has been classified as a Variant of Uncertain Significance. ClinVar contains an entry for this variant (Variation ID: 1742412). This variant is present in population databases (rs756752696, gnomAD 0.004%). This sequence change creates a premature translational stop signal (p.Arg1562Serfs*18) in the AKAP9 gene. It is expected to result in an absent or disrupted protein product. However, the current clinical and genetic evidence is not sufficient to establish whether loss-of-function variants in AKAP9 cause disease.

Ambry Genetics
Classification: Uncertain significance for Cardiovascular phenotype. Last evaluated: 2021-05-14. Review status: criteria provided, single submitter. Criteria: Ambry Variant Classification Scheme 2023. Collection method: clinical testing. Allele origin: germline.
Comment: The c.4686_4689delACAG variant, located in coding exon 17 of the AKAP9 gene, results from a deletion of 4 nucleotides at nucleotide positions 4686 to 4689, causing a translational frameshift with a predicted alternate stop codon (p.R1562Sfs*18). This alteration is expected to result in premature protein truncation or nonsense-mediated mRNA decay. However, loss of function of AKAP9 has not been clearly established as a mechanism of disease. Since supporting evidence is limited at this time, the clinical significance of this alteration remains unclear.

NM_005751.5(AKAP9):c.4686_4689del (p.Arg1562fs)

Gene: AKAP9 (A-kinase anchoring protein 9; plus strand). Cytogenetic location: 7q21.2.
Variant type: Deletion.
Coding change: c.4686_4689del on transcript NM_005751.5 (MANE Select); coding-DNA positions 4686 to 4689, 4 bases deleted (ACAG; older notation c.4686_4689delACAG).
Protein change: p.Arg1562fs; shifts the reading frame from arginine 1562.
Molecular consequence: frameshift variant.
Genome position (GRCh38, 1-based): chr7:92,038,766-92,038,769, ACAG deleted; deleting any 4 consecutive bases within chr7:92,038,764-92,038,769 gives the same sequence; the c. name uses the placement nearest the transcript's 3' end. VCF-style (leftmost placement, unchanged base first): chr7-92038763-TAGAC-T. GRCh37 (hg19) VCF-style: chr7-91668077-TAGAC-T.
Other names: c.4686_4689del, p.Arg1562fs (NM_147185.3); short protein forms R1562fs.
Identifiers: ClinVar variation 1742412 (VCV001742412.5), dbSNP rs756752696, ClinGen allele CA4336607.